The following is an entry in ClinVar:

ClinVar aggregate classification (germline): Pathogenic/Likely pathogenic. Review status: criteria provided, multiple submitters, no conflicts (2 of 4 stars). 2 submissions from 2 submitters: Pathogenic (1); Likely pathogenic (1). Last evaluated 2022-01-10.

Conditions:
Joubert syndrome 23 (JBTS23). Identifiers: Orphanet 475, MedGen C4084822, MONDO:0014664, OMIM 616490.

Submissions (2):

Genetics and Genomic Medicine Centre, NeuroGen Healthcare, NeuroGen Healthcare
Classification: Pathogenic for Joubert syndrome 23. Last evaluated: 2022-01-10. Review status: criteria provided, single submitter. Criteria: Submitter's publication. Collection method: clinical testing. Allele origin: unknown. Affected: no.

GeneDx
Classification: Likely pathogenic. Last evaluated: 2018-07-19. Review status: criteria provided, single submitter. Criteria: GeneDx Variant Classification (06012015). Collection method: clinical testing. Allele origin: germline. Affected: yes.
Comment: The c.189dupA variant in the KIAA0586 gene has not been reported previously as a pathogenic variant nor as a benign variant, to our knowledge. The c.189dupA variant causes a frameshift starting with codon Arginine 64, changes this amino acid to a Threonine residue, and creates a premature Stop codon at position 9 of the new reading frame, denoted p.Arg64ThrfsX9. This variant is predicted to cause loss of normal protein function either through protein truncation or nonsense-mediated mRNA decay. The c.189dupA variant is not observed in large population cohorts (Lek et al., 2016). We interpret c.189dupA as a likely pathogenic variant.

NM_001329943.3(KIAA0586):c.153dup (p.Arg52fs)

Gene: KIAA0586 (KIAA0586; plus strand). Cytogenetic location: 14q23.1.
Variant type: Duplication.
Coding change: c.153dup on transcript NM_001329943.3 (MANE Select); coding-DNA position 153, one base duplicated (A; older notation c.153dupA).
Protein change: p.Arg52fs; shifts the reading frame from arginine 52.
Molecular consequence: frameshift variant. On other transcripts: intron variant (5).
Genome position (GRCh38, 1-based): chr14:58,428,417, A duplicated; the last of 3 consecutive A bases (chr14:58,428,415-58,428,417); duplicating any one gives the same sequence. VCF-style (leftmost placement, unchanged base first): chr14-58428414-T-TA. GRCh37 (hg19) VCF-style: chr14-58895132-T-TA.
Other names: c.189dup, p.Arg64fs (NM_001244189.2); c.108dup, p.Arg37fs (NM_001244190.2); c.153dup, p.Arg52fs (NM_001329944.2, NM_001329946.2, NM_001329947.2 and 1 more transcripts); c.-57+780dup (NM_001244192.2, NM_001244191.2); c.-57+604dup (NM_001364701.2, NM_001329945.2, NM_001364700.1); short protein forms R52fs, R64fs, R37fs.
Identifiers: ClinVar variation 817734 (VCV000817734.3), dbSNP rs1595050325, ClinGen allele CA915948923.
Genomic context (GRCh38, chr14:58,428,414, plus strand): 5'-AGATCATTTGGTTTTGCTGAAAGATGAGTTGCCCTGTGTTCCTCCGGCATTGTCTGCAAA[T>TA]AAACGTCTTCCTGTTGGAACGGGGACTAGTTTGAATGGAACATCACGTGGTATGTGATTC-3'